The following is an entry in ClinVar:

NM_032043.3(BRIP1):c.1912A>G (p.Asn638Asp)

Gene: BRIP1 (BRCA1 interacting DNA helicase 1; minus strand). Cytogenetic location: 17q23.2.
Variant type: single nucleotide variant.
Coding change: c.1912A>G on transcript NM_032043.3 (MANE Select); coding-DNA position 1912, A replaced by G.
Protein change: p.Asn638Asp; replaces asparagine 638 with aspartic acid.
Molecular consequence: missense variant.
Genome position (GRCh38, 1-based): chr17:61,780,284, T>C on the plus strand (A>G on the coding strand, the complement: BRIP1 is on the minus strand). VCF-style: chr17-61780284-T-C. GRCh37 (hg19) VCF-style: chr17-59857645-T-C.
Other names: short protein forms N638D.
Identifiers: ClinVar variation 835961 (VCV000835961.11), dbSNP rs2077594670, ClinGen allele CA400479240.

ClinVar aggregate classification (germline): Uncertain significance. Review status: criteria provided, multiple submitters, no conflicts (2 of 4 stars). 2 submissions from 2 submitters: Uncertain significance (2). Last evaluated 2024-04-22.

Conditions:
Familial cancer of breast. Also called: BREAST CANCER, FAMILIAL; hereditary breast carcinoma; Hereditary breast cancer. Identifiers: Orphanet 227535, MedGen C0346153, MONDO:0016419, OMIM 114480. Disease mechanism: loss of function.
Fanconi anemia complementation group J. Also called: BRIP1-Related Fanconi Anemia. Identifiers: Orphanet 84, MedGen C1836860, MONDO:0012187, OMIM 609054.
Hereditary cancer-predisposing syndrome. Also called: Neoplastic Syndromes, Hereditary; Hereditary neoplastic syndrome; Tumor predisposition; Hereditary Cancer Syndrome. Identifiers: Orphanet 140162, MedGen C0027672, MeSH D009386, MONDO:0015356.

Allele frequency attached by ClinVar (database versions not stated): gnomAD exomes below 0.00001.
gnomAD v4.1: 2 of 1,613,478 alleles (0.00012%); highest among the groups gnomAD compares: South Asian, 0.0022%; no homozygotes.

Submissions (2):

Ambry Genetics
Classification: Uncertain significance for Hereditary cancer-predisposing syndrome. Last evaluated: 2024-04-22. Review status: criteria provided, single submitter. Criteria: Ambry Variant Classification Scheme 2023. Collection method: clinical testing. Allele origin: germline.
Comment: The p.N638D variant (also known as c.1912A>G), located in coding exon 12 of the BRIP1 gene, results from an A to G substitution at nucleotide position 1912. The asparagine at codon 638 is replaced by aspartic acid, an amino acid with highly similar properties. This variant was detected in a cohort of 151 patients diagnosed with epithelial breast cancer in the southernmost region of Thailand (Sukpan P et al. J Pers Med, 2023 Nov;13). This amino acid position is well conserved in available vertebrate species. In addition, this alteration is predicted to be tolerated by in silico analysis. Based on the available evidence, the clinical significance of this variant remains unclear.

Labcorp Genetics (formerly Invitae), Labcorp
Classification: Uncertain significance for Familial cancer of breast; Fanconi anemia complementation group J. Last evaluated: 2019-04-09. Review status: criteria provided, single submitter. Criteria: Invitae Variant Classification Sherloc (09022015). Collection method: clinical testing. Allele origin: germline.
Comment: This variant is not present in population databases (ExAC no frequency). In summary, the available evidence is currently insufficient to determine the role of this variant in disease. Therefore, it has been classified as a Variant of Uncertain Significance. Algorithms developed to predict the effect of missense changes on protein structure and function are either unavailable or do not agree on the potential impact of this missense change (SIFT: "Tolerated"; PolyPhen-2: "Probably Damaging"; Align-GVGD: "Class C0"). This variant has not been reported in the literature in individuals with BRIP1-related conditions. This sequence change replaces asparagine with aspartic acid at codon 638 of the BRIP1 protein (p.Asn638Asp). The asparagine residue is highly conserved and there is a small physicochemical difference between asparagine and aspartic acid.

Literature cited by the submitters: PubMed 38003901 (cited by Ambry Genetics).